The following is an entry in ClinVar:

ClinVar aggregate classification (germline): Uncertain significance. Review status: criteria provided, multiple submitters, no conflicts (2 of 4 stars). 3 submissions from 3 submitters: Uncertain significance (3). Last evaluated 2025-04-27.

Conditions:
Primary ciliary dyskinesia. Also called: Ciliary dyskinesia. Identifiers: Orphanet 244, MedGen C0008780, MONDO:0016575, HP:0012265.

Allele frequency attached by ClinVar (database versions not stated): gnomAD 0.00001; TOPMed 0.00001; gnomAD exomes 0.00002; ExAC 0.00003; ESP Exome Variant Server 0.00008.
gnomAD v4.1: 50 of 1,614,020 alleles (0.0031%); highest among the groups gnomAD compares: Middle Eastern, 0.016%; no homozygotes.

Submissions (3):

Labcorp Genetics (formerly Invitae), Labcorp
Classification: Uncertain significance for Primary ciliary dyskinesia. Last evaluated: 2025-04-27. Review status: criteria provided, single submitter. Criteria: Invitae Variant Classification Sherloc (09022015). Collection method: clinical testing. Allele origin: germline.
Comment: This sequence change replaces threonine, which is neutral and polar, with methionine, which is neutral and non-polar, at codon 4552 of the DNAH8 protein (p.Thr4552Met). This variant is present in population databases (rs375993164, gnomAD 0.006%). This variant has not been reported in the literature in individuals affected with DNAH8-related conditions. ClinVar contains an entry for this variant (Variation ID: 1051437). Invitae Evidence Modeling of protein sequence and biophysical properties (such as structural, functional, and spatial information, amino acid conservation, physicochemical variation, residue mobility, and thermodynamic stability) indicates that this missense variant is not expected to disrupt DNAH8 protein function with a negative predictive value of 80%. In summary, the available evidence is currently insufficient to determine the role of this variant in disease. Therefore, it has been classified as a Variant of Uncertain Significance.

Ambry Genetics
Classification: Uncertain significance. Last evaluated: 2024-11-11. Review status: criteria provided, single submitter. Criteria: Ambry Variant Classification Scheme 2023. Collection method: clinical testing. Allele origin: germline.

Breakthrough Genomics
Classification: Uncertain significance. Review status: criteria provided, single submitter. Criteria: ACMG Guidelines, 2015. Collection method: not provided. Allele origin: germline. Inheritance: Autosomal recessive inheritance. Affected: yes.

NM_001206927.2(DNAH8):c.13655C>T (p.Thr4552Met)

Gene: DNAH8 (dynein axonemal heavy chain 8; plus strand). Cytogenetic location: 6p21.2.
Variant type: single nucleotide variant.
Coding change: c.13655C>T on transcript NM_001206927.2 (MANE Select); coding-DNA position 13655, C replaced by T.
Protein change: p.Thr4552Met; replaces threonine 4552 with methionine.
Molecular consequence: missense variant.
Genome position (GRCh38, 1-based): chr6:39,012,578, C>T. VCF-style: chr6-39012578-C-T. GRCh37 (hg19) VCF-style: chr6-38980354-C-T.
Other names: c.13004C>T, p.Thr4335Met (NM_001371.4); c.13655C>T (NM_001206927.1); short protein forms T4335M, T4552M.
Identifiers: ClinVar variation 1051437 (VCV001051437.11), dbSNP rs375993164, ClinGen allele CA3791723.